The following is an entry in ClinVar:

ClinVar aggregate classification (germline): Likely benign (1 of 4 stars; one submission).

gnomAD v4.1: 81 of 1,552,072 alleles (0.0052%); highest among the groups gnomAD compares: East Asian, 0.078%; no homozygotes.

Submission:

CeGaT Center for Human Genetics Tuebingen
Classification: Likely benign. Last evaluated: 2026-01-01. Review status: criteria provided, single submitter. Criteria: CeGaT Center For Human Genetics Tuebingen Variant Classification Criteria Version 2. Collection method: clinical testing. Allele origin: germline. Affected: yes. Observed: 1 variant allele.
Comment: SETD1B: BP4, BP7

NM_001353345.2(SETD1B):c.3459G>A (p.Thr1153=)

Gene: SETD1B (SET domain containing 1B, histone lysine methyltransferase; plus strand). Cytogenetic location: 12q24.31.
Variant type: single nucleotide variant.
Coding change: c.3459G>A on transcript NM_001353345.2 (MANE Select); coding-DNA position 3459, G replaced by A.
Protein change: p.Thr1153=; no amino-acid change (threonine 1153 retained).
Molecular consequence: synonymous variant.
Genome position (GRCh38, 1-based): chr12:121,819,444, G>A. VCF-style: chr12-121819444-G-A. GRCh37 (hg19) VCF-style: chr12-122257350-G-A.
Identifiers: ClinVar variation 4822094 (VCV004822094.4).